The following is an entry in ClinVar:

NM_033109.5(PNPT1):c.1074-15C>T

Gene: PNPT1 (polyribonucleotide nucleotidyltransferase 1; minus strand). Cytogenetic location: 2p16.1.
Variant type: single nucleotide variant.
Coding change: c.1074-15C>T on transcript NM_033109.5 (MANE Select); 15 bases into the intron before coding-DNA position 1074, C replaced by T.
Molecular consequence: intron variant.
Genome position (GRCh38, 1-based): chr2:55,667,108, G>A on the plus strand (C>T on the coding strand, the complement: PNPT1 is on the minus strand). VCF-style: chr2-55667108-G-A. GRCh37 (hg19) VCF-style: chr2-55894243-G-A.
Identifiers: ClinVar variation 138736 (VCV000138736.11), dbSNP rs76693423, ClinGen allele CA292817.

ClinVar aggregate classification (germline): Benign. Review status: criteria provided, multiple submitters, no conflicts (2 of 4 stars). 3 submissions from 3 submitters: Benign (3). Last evaluated 2026-02-03.

Allele frequency attached by ClinVar (database versions not stated): 1000 Genomes Project 0.01418; 1000 Genomes Project 30x 0.01577; gnomAD 0.03184 and 0.03200; TOPMed 0.03199; gnomAD exomes 0.03332 and 0.04149; ESP Exome Variant Server 0.03406; ExAC 0.03445.
gnomAD v4.1: 64,548 of 1,588,002 alleles (4.1%); highest among the groups gnomAD compares: Middle Eastern, 9.1%; 1,557 homozygotes.

Submissions (3):

Labcorp Genetics (formerly Invitae), Labcorp
Classification: Benign. Last evaluated: 2026-02-03. Review status: criteria provided, single submitter. Criteria: Invitae Variant Classification Sherloc (09022015). Collection method: clinical testing. Allele origin: germline.

GeneDx
Classification: Benign. Last evaluated: 2013-11-12. Review status: criteria provided, single submitter. Criteria: GeneDx Variant Classification (06012015). Collection method: clinical testing. Allele origin: germline. Affected: yes.
Comment: This variant is considered likely benign or benign based on one or more of the following criteria: it is a conservative change, it occurs at a poorly conserved position in the protein, it is predicted to be benign by multiple in silico algorithms, and/or has population frequency not consistent with disease.

Breakthrough Genomics
Classification: Benign. Review status: criteria provided, single submitter. Criteria: ACMG Guidelines, 2015. Collection method: not provided. Allele origin: germline. Inheritance: Autosomal recessive inheritance. Affected: yes.